The following is an entry in ClinVar:

NM_001378120.1(MBD5):c.4185A>C (p.Arg1395Ser)

Gene: MBD5 (methyl-CpG binding domain protein 5; plus strand). Cytogenetic location: 2q23.1.
Variant type: single nucleotide variant.
Coding change: c.4185A>C on transcript NM_001378120.1 (MANE Select); coding-DNA position 4185, A replaced by C.
Protein change: p.Arg1395Ser; replaces arginine 1395 with serine.
Molecular consequence: missense variant.
Genome position (GRCh38, 1-based): chr2:148,489,817, A>C. VCF-style: chr2-148489817-A-C. GRCh37 (hg19) VCF-style: chr2-149247386-A-C.
Other names: c.3486A>C, p.Arg1162Ser (NM_018328.5); short protein forms R1162S, R1395S.
Identifiers: ClinVar variation 2838837 (VCV002838837.3), dbSNP rs1203955727, ClinGen allele CA348728197.

ClinVar aggregate classification (germline): Uncertain significance (1 of 4 stars; one submission).

Conditions:
Intellectual developmental disorder, autosomal dominant 1. Also called: MBD5 Haploinsufficiency; Intellectual disability, autosomal dominant 1. Identifiers: Orphanet 228402, MedGen C1969562, MONDO:0007974, OMIM 156200.

Allele frequency attached by ClinVar (database versions not stated): gnomAD exomes below 0.00001.
gnomAD v4.1: 1 of 1,614,130 alleles (0.000062%); highest among the groups gnomAD compares: Admixed American, 0.0017%; no homozygotes.

Submission:

Labcorp Genetics (formerly Invitae), Labcorp
Classification: Uncertain significance for Intellectual developmental disorder, autosomal dominant 1. Last evaluated: 2025-01-06. Review status: criteria provided, single submitter. Criteria: Invitae Variant Classification Sherloc (09022015). Collection method: clinical testing. Allele origin: germline.
Comment: This sequence change replaces arginine, which is basic and polar, with serine, which is neutral and polar, at codon 1162 of the MBD5 protein (p.Arg1162Ser). This variant is present in population databases (no rsID available, gnomAD 0.003%). This variant has not been reported in the literature in individuals affected with MBD5-related conditions. ClinVar contains an entry for this variant (Variation ID: 2838837). Experimental studies and prediction algorithms are not available or were not evaluated, and the functional significance of this variant is currently unknown. In summary, the available evidence is currently insufficient to determine the role of this variant in disease. Therefore, it has been classified as a Variant of Uncertain Significance.